The following is an entry in ClinVar:

ClinVar aggregate classification (germline): Uncertain significance. Review status: criteria provided, multiple submitters, no conflicts (2 of 4 stars). 2 submissions from 2 submitters: Uncertain significance (2). Last evaluated 2025-03-10.

Allele frequency attached by ClinVar (database versions not stated): gnomAD exomes below 0.00001.
gnomAD v4.1: 3 of 1,526,780 alleles (0.0002%); highest among the groups gnomAD compares: South Asian, 0.0013%; no homozygotes.

Submissions (2):

Ambry Genetics
Classification: Uncertain significance. Last evaluated: 2025-03-10. Review status: criteria provided, single submitter. Criteria: Ambry Variant Classification Scheme 2023. Collection method: clinical testing. Allele origin: germline.
Comment: The p.P369S variant (also known as c.1105C>T), located in coding exon 8 of the RNF43 gene, results from a C to T substitution at nucleotide position 1105. The proline at codon 369 is replaced by serine, an amino acid with similar properties. This amino acid position is conserved. In addition, this alteration is predicted to be tolerated by in silico analysis. Based on the available evidence, the clinical significance of this variant remains unclear.

Labcorp Genetics (formerly Invitae), Labcorp
Classification: Uncertain significance. Last evaluated: 2022-10-14. Review status: criteria provided, single submitter. Criteria: Invitae Variant Classification Sherloc (09022015). Collection method: clinical testing. Allele origin: germline.
Comment: In summary, the available evidence is currently insufficient to determine the role of this variant in disease. Therefore, it has been classified as a Variant of Uncertain Significance. Algorithms developed to predict the effect of missense changes on protein structure and function (SIFT, PolyPhen-2, Align-GVGD) all suggest that this variant is likely to be tolerated. This variant has not been reported in the literature in individuals affected with RNF43-related conditions. This variant is not present in population databases (gnomAD no frequency). This sequence change replaces proline, which is neutral and non-polar, with serine, which is neutral and polar, at codon 369 of the RNF43 protein (p.Pro369Ser).

NM_017763.6(RNF43):c.1105C>T (p.Pro369Ser)

Gene: RNF43 (ring finger protein 43; minus strand). Cytogenetic location: 17q22.
Variant type: single nucleotide variant.
Coding change: c.1105C>T on transcript NM_017763.6 (MANE Select); coding-DNA position 1105, C replaced by T.
Protein change: p.Pro369Ser; replaces proline 369 with serine.
Molecular consequence: missense variant.
Genome position (GRCh38, 1-based): chr17:58,358,671, G>A on the plus strand (C>T on the coding strand, the complement: RNF43 is on the minus strand). VCF-style: chr17-58358671-G-A. GRCh37 (hg19) VCF-style: chr17-56436032-G-A.
Other names: c.1105C>T, p.Pro369Ser (NM_001305544.3); c.724C>T, p.Pro242Ser (NM_001305545.2); short protein forms P242S, P369S.
Identifiers: ClinVar variation 2168423 (VCV002168423.5), dbSNP rs2143423823, ClinGen allele CA400331635.